The following is an entry in ClinVar:

NM_001353812.2(ATP11C):c.90G>A (p.Ser30=)

Gene: ATP11C (ATPase phospholipid transporting 11C (ATP11C blood group); minus strand). Cytogenetic location: Xq27.1.
Variant type: single nucleotide variant.
Coding change: c.90G>A on transcript NM_001353812.2 (MANE Select); coding-DNA position 90, G replaced by A.
Protein change: p.Ser30=; no amino-acid change (serine 30 retained).
Molecular consequence: synonymous variant.
Genome position (GRCh38, 1-based): chrX:139,826,761, C>T on the plus strand (G>A on the coding strand, the complement: ATP11C is on the minus strand). VCF-style: chrX-139826761-C-T. GRCh37 (hg19) VCF-style: chrX-138908920-C-T.
Other names: c.99G>A (NM_173694.4); c.99G>A, p.Ser33= (NM_001010986.3, NM_173694.5); c.90G>A, p.Ser30= (NM_001353810.2, NM_001353811.2).
Identifiers: ClinVar variation 2661536 (VCV002661536.24), dbSNP rs201506912, ClinGen allele CA10531303.
Genomic context (GRCh38, chrX:139,826,761, plus strand): 5'-TACCTTAGATGAGACTATTCTATTATCACAAAATCTTTGTGCAATGTAAGCTTCTGTTTC[C>T]GAAACTGGATGATTGCCAACAAACACTGTGCGTGTGCCAACTCGTTTCTCTTCTCCAGCA-3'
Protein context (NP_001340741.2, residues 20-40): RTVFVGNHPV[Ser30=]ETEAYIAQRF

ClinVar aggregate classification (germline): Likely benign. Review status: criteria provided, single submitter (1 of 4 stars). 2 submissions from 2 submitters: Likely benign (1). 1 of the submissions does not count toward it. Last evaluated 2022-06-01.

Conditions:
ATP11C-related disorder. Also called: ATP11C-related condition.

Allele frequency attached by ClinVar (database versions not stated): ESP Exome Variant Server 0.00009; TOPMed 0.00018; gnomAD 0.00022; gnomAD exomes 0.00027; ExAC 0.00034; 1000 Genomes Project 0.00053; 1000 Genomes Project 30x 0.00062.
gnomAD v4.1: 325 of 1,205,446 alleles (0.027%); highest among the groups gnomAD compares: Non-Finnish European, 0.025%; no homozygotes.

Submissions (2):

CeGaT Center for Human Genetics Tuebingen
Classification: Likely benign. Last evaluated: 2022-06-01. Review status: criteria provided, single submitter. Criteria: CeGaT Center For Human Genetics Tuebingen Variant Classification Criteria Version 2. Collection method: clinical testing. Allele origin: germline. Affected: yes. Observed: 1 variant allele.
Comment: ATP11C: BP4, BP7

PreventionGenetics, part of Exact Sciences
Classification: Likely benign for ATP11C-related condition. Last evaluated: 2024-03-27. Review status: no assertion criteria provided. Collection method: clinical testing. Allele origin: germline. Not counted in ClinVar's aggregate classification.
Comment: This variant is classified as likely benign based on ACMG/AMP sequence variant interpretation guidelines (Richards et al. 2015 PMID: 25741868, with internal and published modifications).